The following is an entry in ClinVar:

NC_000005.10:g.112707462G>A

Gene: APC (APC regulator of Wnt signaling pathway; plus strand). Cytogenetic location: 5q22.2.
Variant type: single nucleotide variant.
Genome position: GRCh38 VCF-style: chr5-112707462-G-A. GRCh37 (hg19) VCF-style: chr5-112043159-G-A.
Identifiers: ClinVar variation 659332 (VCV000659332.9), dbSNP rs1409487828, ClinGen allele CA802056945.

ClinVar aggregate classification (germline): Uncertain significance (1 of 4 stars; one submission).

Conditions:
Familial adenomatous polyposis 1 (FAP1). Also called: FAMILIAL ADENOMATOUS POLYPOSIS 1, ATTENUATED; POLYPOSIS, ADENOMATOUS INTESTINAL. Identifiers: MedGen C2713442, MONDO:0021056, OMIM 175100. Disease mechanism: loss of function.

Allele frequency attached by ClinVar (database versions not stated): gnomAD 0.00001; TOPMed 0.00001; gnomAD exomes below 0.00001.

Submission:

Labcorp Genetics (formerly Invitae), Labcorp
Classification: Uncertain significance for Familial adenomatous polyposis 1. Last evaluated: 2026-01-06. Review status: criteria provided, single submitter. Criteria: Invitae Variant Classification Sherloc (09022015). Collection method: clinical testing. Allele origin: germline.
Comment: This variant occurs in a non-coding region of the APC gene. It does not change the encoded amino acid sequence of the APC protein. This variant is not present in population databases (gnomAD no frequency). This variant has not been reported in the literature in individuals affected with APC-related conditions. ClinVar contains an entry for this variant (Variation ID: 659332). Experimental studies and prediction algorithms are not available or were not evaluated, and the functional significance of this variant is currently unknown. In summary, the available evidence is currently insufficient to determine the role of this variant in disease. Therefore, it has been classified as a Variant of Uncertain Significance.